The following is an entry in ClinVar:

NM_001170535.3(ATAD3A):c.558G>A (p.Met186Ile)

Gene: ATAD3A (ATPase family AAA domain containing 3A; plus strand). Cytogenetic location: 1p36.33.
Variant type: single nucleotide variant.
Coding change: c.558G>A on transcript NM_001170535.3 (MANE Select); coding-DNA position 558, G replaced by A.
Protein change: p.Met186Ile; replaces methionine 186 with isoleucine.
Molecular consequence: missense variant.
Genome position (GRCh38, 1-based): chr1:1,520,184, G>A. VCF-style: chr1-1520184-G-A. GRCh37 (hg19) VCF-style: chr1-1455564-G-A.
Other names: c.321G>A, p.Met107Ile (NM_001170536.3); c.702G>A, p.Met234Ile (NM_018188.5); c.702G>A (NM_018188.3); short protein forms M107I, M186I, M234I.
Identifiers: ClinVar variation 1307194 (VCV001307194.5), dbSNP rs138007437, ClinGen allele CA525843.
Genomic context (GRCh38, chr1:1,520,184, plus strand): 5'-CTGCCTCTCTGGGGCAGCCACCGTGGAGCGGGAGATGGAGCTGCGGCACAAGAATGAGAT[G>A]CTGCGAGTGGAGGCCGAGGCCCGGGCGCGCGCCAAGGCCGAGCGGGAGAATGCAGACATC-3'
Protein context (NP_001164006.1, residues 176-196): REMELRHKNE[Met186Ile]LRVEAEARAR

ClinVar aggregate classification (germline): Conflicting classifications of pathogenicity. Review status: criteria provided, conflicting classifications (1 of 4 stars). 4 submissions from 4 submitters: Uncertain significance (2); Likely benign (2). Last evaluated 2025-02-03.

Conditions:
Inborn genetic diseases. Identifiers: MedGen C0950123, MeSH D030342.

Allele frequency attached by ClinVar (database versions not stated): ESP Exome Variant Server 0.00046; gnomAD 0.00058 and 0.00062; TOPMed 0.00066; 1000 Genomes Project 30x 0.00156; 1000 Genomes Project 0.00160.

Submissions (4):

Women's Health and Genetics/Laboratory Corporation of America, LabCorp
Classification: Likely benign. Last evaluated: 2025-02-03. Review status: criteria provided, single submitter. Criteria: LabCorp Variant Classification Summary - May 2015. Collection method: clinical testing. Allele origin: germline.

Ambry Genetics
Classification: Likely benign for Inborn genetic diseases. Last evaluated: 2024-06-07. Review status: criteria provided, single submitter. Criteria: Ambry Variant Classification Scheme 2023. Collection method: clinical testing. Allele origin: germline.

GeneDx
Classification: Uncertain significance. Last evaluated: 2019-08-08. Review status: criteria provided, single submitter. Criteria: GeneDx Variant Classification Process June 2021. Collection method: clinical testing. Allele origin: germline. Affected: yes.
Comment: Has not been previously published as pathogenic or benign to our knowledge; In silico analysis, which includes protein predictors and evolutionary conservation, supports that this variant does not alter protein structure/function

Breakthrough Genomics
Classification: Uncertain significance. Review status: criteria provided, single submitter. Criteria: ACMG Guidelines, 2015. Collection method: not provided. Allele origin: germline. Inheritance: Autosomal recessive inheritance. Affected: yes.